The following is an entry in ClinVar:

NM_002234.4(KCNA5):c.897C>G (p.Asn299Lys)

Gene: KCNA5 (potassium voltage-gated channel subfamily A member 5; plus strand). Cytogenetic location: 12p13.32.
Variant type: single nucleotide variant.
Coding change: c.897C>G on transcript NM_002234.4 (MANE Select); coding-DNA position 897, C replaced by G.
Protein change: p.Asn299Lys; replaces asparagine 299 with lysine.
Molecular consequence: missense variant.
Genome position (GRCh38, 1-based): chr12:5,045,044, C>G. VCF-style: chr12-5045044-C-G. GRCh37 (hg19) VCF-style: chr12-5154210-C-G.
Other names: c.897C>G (NM_002234.2); short protein forms N299K.
Identifiers: ClinVar variation 1051622 (VCV001051622.10), dbSNP rs773608258, ClinGen allele CA6399746.
Genomic context (GRCh38, chr12:5,045,044, plus strand): 5'-TGAGCTGCTCCGCCACCCTCCGGCGCCCCACCAGCCTCCCGCGCCCGCCCCTGGGGCCAA[C>G]GGCAGCGGGGTCATGGCCCCGCCCTCTGGCCCTACGGTGGCACCGCTCCTGCCCAGGACC-3'
Protein context (NP_002225.2, residues 289-309): HQPPAPAPGA[Asn299Lys]GSGVMAPPSG

ClinVar aggregate classification (germline): Uncertain significance. Review status: criteria provided, multiple submitters, no conflicts (2 of 4 stars). 2 submissions from 2 submitters: Uncertain significance (2). Last evaluated 2025-06-06.

Conditions:
Inborn genetic diseases. Identifiers: MedGen C0950123, MeSH D030342.
Atrial fibrillation, familial, 7 (ATFB7). Identifiers: MedGen C2677106, MONDO:0012828, OMIM 612240.

Submissions (2):

Labcorp Genetics (formerly Invitae), Labcorp
Classification: Uncertain significance for Atrial fibrillation, familial, 7. Last evaluated: 2025-06-06. Review status: criteria provided, single submitter. Criteria: Invitae Variant Classification Sherloc (09022015). Collection method: clinical testing. Allele origin: germline.
Comment: This sequence change replaces asparagine, which is neutral and polar, with lysine, which is basic and polar, at codon 299 of the KCNA5 protein (p.Asn299Lys). This variant is present in population databases (rs773608258, gnomAD 0.003%). This variant has not been reported in the literature in individuals affected with KCNA5-related conditions. ClinVar contains an entry for this variant (Variation ID: 1051622). An algorithm developed to predict the effect of missense changes on protein structure and function (PolyPhen-2) suggests that this variant is likely to be tolerated. In summary, the available evidence is currently insufficient to determine the role of this variant in disease. Therefore, it has been classified as a Variant of Uncertain Significance.

Ambry Genetics
Classification: Uncertain significance for Inborn genetic diseases. Last evaluated: 2025-01-21. Review status: criteria provided, single submitter. Criteria: Ambry Variant Classification Scheme 2023. Collection method: clinical testing. Allele origin: germline.